The following is an entry in ClinVar:

NM_000298.6(PKLR):c.1508C>T (p.Ala503Val)

Gene: PKLR (pyruvate kinase L/R; minus strand). Cytogenetic location: 1q22.
Variant type: single nucleotide variant.
Coding change: c.1508C>T on transcript NM_000298.6 (MANE Select); coding-DNA position 1508, C replaced by T.
Protein change: p.Ala503Val; replaces alanine 503 with valine.
Molecular consequence: missense variant.
Genome position (GRCh38, 1-based): chr1:155,291,866, G>A on the plus strand (C>T on the coding strand, the complement: PKLR is on the minus strand). VCF-style: chr1-155291866-G-A. GRCh37 (hg19) VCF-style: chr1-155261657-G-A.
Other names: c.1415C>T, p.Ala472Val (NM_181871.4); short protein forms A472V, A503V.
Identifiers: ClinVar variation 1486957 (VCV001486957.6), dbSNP rs750255401, ClinGen allele CA1143978.
Genomic context (GRCh38, chr1:155,291,866, plus strand): 5'-GCTTCTGGAGGTTCACGGTAAAGCAAGGGGAAGACTCCTCGGCATAAGTGGACCTGGCGG[G>A]CAGCCTGGGCAGAGCGGGTGACAGCAATGACTGCTGCCCGAGGTCGGTACCGAGACAGAA-3'
Protein context (NP_000289.1, residues 493-513): VIAVTRSAQA[Ala503Val]RQVHLCRGVF

ClinVar aggregate classification (germline): Uncertain significance (1 of 4 stars; one submission).

Allele frequency attached by ClinVar (database versions not stated): gnomAD exomes below 0.00001; ExAC 0.00001.

Submission:

Labcorp Genetics (formerly Invitae), Labcorp
Classification: Uncertain significance. Last evaluated: 2021-11-29. Review status: criteria provided, single submitter. Criteria: Invitae Variant Classification Sherloc (09022015). Collection method: clinical testing. Allele origin: germline.
Comment: This sequence change replaces alanine, which is neutral and non-polar, with valine, which is neutral and non-polar, at codon 503 of the PKLR protein (p.Ala503Val). This variant is present in population databases (rs750255401, gnomAD 0.003%). This missense change has been observed in individual(s) with pyruvate kinase deficiency (PMID: 10374175; Invitae). Algorithms developed to predict the effect of missense changes on protein structure and function are either unavailable or do not agree on the potential impact of this missense change (SIFT: "Deleterious"; PolyPhen-2: "Probably Damaging"; Align-GVGD: "Class C0"). In summary, the available evidence is currently insufficient to determine the role of this variant in disease. Therefore, it has been classified as a Variant of Uncertain Significance.

Literature cited by the submitters: PubMed 10374175.